The following is an entry in ClinVar:

NM_002528.7(NTHL1):c.514G>C (p.Gly172Arg)

Gene: NTHL1 (nth like DNA glycosylase 1; minus strand). Cytogenetic location: 16p13.3.
Variant type: single nucleotide variant.
Coding change: c.514G>C on transcript NM_002528.7 (MANE Select); coding-DNA position 514, G replaced by C.
Protein change: p.Gly172Arg; replaces glycine 172 with arginine.
Molecular consequence: missense variant. On other transcripts: intron variant (1).
Genome position (GRCh38, 1-based): chr16:2,044,641, C>G on the plus strand (G>C on the coding strand, the complement: NTHL1 is on the minus strand). VCF-style: chr16-2044641-C-G. GRCh37 (hg19) VCF-style: chr16-2094642-C-G.
Other names: c.184G>C, p.Gly62Arg (NM_001318194.2); c.355-915G>C (NM_001318193.2); short protein forms G172R, G62R.
Identifiers: ClinVar variation 5025920 (VCV005025920.1).

ClinVar aggregate classification (germline): Uncertain significance (1 of 4 stars; one submission).

Conditions:
Hereditary cancer-predisposing syndrome. Also called: Neoplastic Syndromes, Hereditary; Tumor predisposition; Hereditary neoplastic syndrome; Hereditary Cancer Syndrome. Identifiers: Orphanet 140162, MedGen C0027672, MeSH D009386, MONDO:0015356.

Submission:

Ambry Genetics
Classification: Uncertain significance for Hereditary cancer-predisposing syndrome. Last evaluated: 2026-08-27. Review status: criteria provided, single submitter. Criteria: Ambry Variant Classification Scheme 2023. Collection method: clinical testing. Allele origin: germline.
Comment: The p.G180R variant (also known as c.538G>C), located in coding exon 3 of the NTHL1 gene, results from a G to C substitution at nucleotide position 538. The glycine at codon 180 is replaced by arginine, an amino acid with dissimilar properties. This amino acid position is conserved. In addition, this alteration is predicted to be deleterious by in silico analysis. Based on the available evidence, the clinical significance of this variant remains unclear.